The following is an entry in ClinVar:

NM_001393504.1(MAST3):c.3677C>A (p.Pro1226Gln)

Gene: MAST3 (microtubule associated serine/threonine kinase 3; plus strand). Cytogenetic location: 19p13.11.
Variant type: single nucleotide variant.
Coding change: c.3677C>A on transcript NM_001393504.1 (MANE Select); coding-DNA position 3677, C replaced by A.
Protein change: p.Pro1226Gln; replaces proline 1226 with glutamine.
Molecular consequence: missense variant.
Genome position (GRCh38, 1-based): chr19:18,149,359, C>A. VCF-style: chr19-18149359-C-A. GRCh37 (hg19) VCF-style: chr19-18260169-C-A.
Other names: c.3701C>A, p.Pro1234Gln (NM_001393501.1); c.3680C>A, p.Pro1227Gln (NM_001393502.1); c.3677C>A, p.Pro1226Gln (NM_001393503.1); c.3590C>A, p.Pro1197Gln (NM_001393514.1); c.3587C>A, p.Pro1196Gln (NM_001393515.1); c.3584C>A, p.Pro1195Gln (NM_001393516.1); c.3581C>A, p.Pro1194Gln (NM_001393517.1, NM_001393518.1); c.3578C>A, p.Pro1193Gln (NM_001393519.1); and 9 more; short protein forms P1179Q, P1187Q, P1188Q, P1193Q, P1194Q, P1195Q, P1196Q, P1197Q.
Identifiers: ClinVar variation 4527472 (VCV004527472.1).

ClinVar aggregate classification (germline): Uncertain significance (1 of 4 stars; one submission).

Submission:

GeneDx
Classification: Uncertain significance. Last evaluated: 2025-04-22. Review status: criteria provided, single submitter. Criteria: GeneDx Variant Classification Process June 2021. Collection method: clinical testing. Allele origin: germline. Affected: yes.
Comment: Not observed at significant frequency in large population cohorts (gnomAD); In silico analysis supports that this missense variant has a deleterious effect on protein structure/function; Has not been previously published as pathogenic or benign to our knowledge